The following is an entry in ClinVar:

NM_018941.4(CLN8):c.632T>C (p.Met211Thr)

Gene: CLN8 (CLN8 transmembrane ER and ERGIC protein; plus strand). Cytogenetic location: 8p23.3.
Variant type: single nucleotide variant.
Coding change: c.632T>C on transcript NM_018941.4 (MANE Select); coding-DNA position 632, T replaced by C.
Protein change: p.Met211Thr; replaces methionine 211 with threonine.
Molecular consequence: missense variant.
Genome position (GRCh38, 1-based): chr8:1,780,338, T>C. VCF-style: chr8-1780338-T-C. GRCh37 (hg19) VCF-style: chr8-1728504-T-C.
Other names: short protein forms M211T.
Identifiers: ClinVar variation 1977022 (VCV001977022.5), dbSNP rs755662718, ClinGen allele CA4599326.

ClinVar aggregate classification (germline): Uncertain significance (1 of 4 stars; one submission).

Conditions:
Neuronal ceroid lipofuscinosis. Also called: Neuronal Ceroid Lipofuscinoses. Identifiers: Orphanet 216, Orphanet 79263, MedGen C0027877, MONDO:0016295. Disease mechanism: loss of function.

Allele frequency attached by ClinVar (database versions not stated): gnomAD exomes below 0.00001; TOPMed below 0.00001; gnomAD 0.00001; ExAC 0.00003.
gnomAD v4.1: 5 of 1,614,100 alleles (0.00031%); highest among the groups gnomAD compares: Non-Finnish European, 0.00042%; no homozygotes.

Submission:

Labcorp Genetics (formerly Invitae), Labcorp
Classification: Uncertain significance for Neuronal ceroid lipofuscinosis. Last evaluated: 2022-08-16. Review status: criteria provided, single submitter. Criteria: Invitae Variant Classification Sherloc (09022015). Collection method: clinical testing. Allele origin: germline.
Comment: In summary, the available evidence is currently insufficient to determine the role of this variant in disease. Therefore, it has been classified as a Variant of Uncertain Significance. Algorithms developed to predict the effect of missense changes on protein structure and function are either unavailable or do not agree on the potential impact of this missense change (SIFT: "Deleterious"; PolyPhen-2: "Benign"; Align-GVGD: "Class C65"). This variant has not been reported in the literature in individuals affected with CLN8-related conditions. This variant is present in population databases (rs755662718, gnomAD 0.004%). This sequence change replaces methionine, which is neutral and non-polar, with threonine, which is neutral and polar, at codon 211 of the CLN8 protein (p.Met211Thr).